The following is an entry in ClinVar:

NM_004006.3(DMD):c.694A>T (p.Ile232Phe)

Gene: DMD (dystrophin; minus strand). Cytogenetic location: Xp21.1.
Variant type: single nucleotide variant.
Coding change: c.694A>T on transcript NM_004006.3 (MANE Select); coding-DNA position 694, A replaced by T.
Protein change: p.Ile232Phe; replaces isoleucine 232 with phenylalanine.
Molecular consequence: missense variant.
Genome position (GRCh38, 1-based): chrX:32,699,249, T>A on the plus strand (A>T on the coding strand, the complement: DMD is on the minus strand). VCF-style: chrX-32699249-T-A. GRCh37 (hg19) VCF-style: chrX-32717366-T-A.
Other names: c.670A>T, p.Ile224Phe (NM_000109.4); c.682A>T, p.Ile228Phe (NM_004009.3); c.325A>T, p.Ile109Phe (NM_004010.3); short protein forms I228F, I232F, I109F, I224F.
Identifiers: ClinVar variation 3634870 (VCV003634870.2).

ClinVar aggregate classification (germline): Uncertain significance (1 of 4 stars; one submission).

Conditions:
Duchenne muscular dystrophy (DMD). Also called: MUSCULAR DYSTROPHY, PSEUDOHYPERTROPHIC PROGRESSIVE, DUCHENNE TYPE; Duchenne Muscular Dystrophy (DMD). Identifiers: Orphanet 98896, MedGen C0013264, MONDO:0010679, OMIM 310200.

Submission:

Labcorp Genetics (formerly Invitae), Labcorp
Classification: Uncertain significance for Duchenne muscular dystrophy. Last evaluated: 2024-10-05. Review status: criteria provided, single submitter. Criteria: Invitae Variant Classification Sherloc (09022015). Collection method: clinical testing. Allele origin: germline.
Comment: This sequence change replaces isoleucine, which is neutral and non-polar, with phenylalanine, which is neutral and non-polar, at codon 232 of the DMD protein (p.Ile232Phe). This variant is not present in population databases (gnomAD no frequency). This variant has not been reported in the literature in individuals affected with DMD-related conditions. Invitae Evidence Modeling of protein sequence and biophysical properties (such as structural, functional, and spatial information, amino acid conservation, physicochemical variation, residue mobility, and thermodynamic stability) indicates that this missense variant is not expected to disrupt DMD protein function with a negative predictive value of 95%. In summary, the available evidence is currently insufficient to determine the role of this variant in disease. Therefore, it has been classified as a Variant of Uncertain Significance.